The following is an entry in ClinVar:

NM_015335.5(MED13L):c.5562C>A (p.Cys1854Ter)

Gene: MED13L (mediator complex subunit 13L; minus strand). Cytogenetic location: 12q24.21.
Variant type: single nucleotide variant.
Coding change: c.5562C>A on transcript NM_015335.5 (MANE Select); coding-DNA position 5562, C replaced by A.
Protein change: p.Cys1854Ter; replaces cysteine 1854 with a stop codon.
Molecular consequence: nonsense.
Genome position (GRCh38, 1-based): chr12:115,975,541, G>T on the plus strand (C>A on the coding strand, the complement: MED13L is on the minus strand). VCF-style: chr12-115975541-G-T. GRCh37 (hg19) VCF-style: chr12-116413346-G-T.
Other names: short protein forms C1854*.
Identifiers: ClinVar variation 982756 (VCV000982756.1), dbSNP rs139063441, ClinGen allele CA386878928.

ClinVar aggregate classification (germline): Pathogenic (1 of 4 stars; one submission).

Conditions:
Cardiac anomalies - developmental delay - facial dysmorphism syndrome (MRFACD). Also called: Impaired intellectual development and distinctive facial features with or without cardiac defects; MED13L Syndrome. Identifiers: Orphanet 369891, MedGen C5192431, MONDO:0014773, OMIM 616789.

Submission:

Institute of Human Genetics, University of Leipzig Medical Center
Classification: Pathogenic for Cardiac anomalies - developmental delay - facial dysmorphism syndrome. Last evaluated: 2019-01-01. Review status: criteria provided, single submitter. Criteria: ACMG Guidelines, 2015. Collection method: clinical testing. Allele origin: de novo. Affected: yes.
Comment: This variant was identified as de novo.